The following is an entry in ClinVar:

ClinVar aggregate classification (germline): Uncertain significance (1 of 4 stars; one submission).

Conditions:
ETFDH-related disorder. Also called: ETFDH-related condition.

Allele frequency attached by ClinVar (database versions not stated): gnomAD 0.00001.

Submission:

PreventionGenetics, part of Exact Sciences
Classification: Uncertain significance for ETFDH-related condition. Last evaluated: 2023-09-26. Review status: criteria provided, single submitter. Criteria: ACMG Guidelines, 2015. Collection method: clinical testing. Allele origin: germline.
Comment: The ETFDH c.1213A>G variant is predicted to result in the amino acid substitution p.Lys405Glu. To our knowledge, this variant has not been reported in the literature. This variant is reported in 0.0065% of alleles in individuals of European (Non-Finnish) descent in gnomAD. At this time, the clinical significance of this variant is uncertain due to the absence of conclusive functional and genetic evidence.

NM_004453.4(ETFDH):c.1213A>G (p.Lys405Glu)

Gene: ETFDH (electron transfer flavoprotein dehydrogenase; plus strand). Cytogenetic location: 4q32.1.
Variant type: single nucleotide variant.
Coding change: c.1213A>G on transcript NM_004453.4 (MANE Select); coding-DNA position 1213, A replaced by G.
Protein change: p.Lys405Glu; replaces lysine 405 with glutamic acid.
Molecular consequence: missense variant.
Genome position (GRCh38, 1-based): chr4:158,703,519, A>G. VCF-style: chr4-158703519-A-G. GRCh37 (hg19) VCF-style: chr4-159624671-A-G.
Other names: c.1072A>G, p.Lys358Glu (NM_001281737.2); c.1030A>G, p.Lys344Glu (NM_001281738.1); short protein forms K344E, K358E, K405E.
Identifiers: ClinVar variation 2634028 (VCV002634028.1), dbSNP rs1336365682, ClinGen allele CA358562968.
Genomic context (GRCh38, chr4:158,703,519, plus strand): 5'-ATTGGTTGTAGTCCTGGTTTTATGAATGTTCCCAAGATCAAAGGTACTCACACAGCAATG[A>G]AAAGTGGAATTTTAGCAGCAGAATCTATTTTTAATCAACTAACTAGTGAAAATCTCCAAT-3'
Protein context (NP_004444.2, residues 395-415): PKIKGTHTAM[Lys405Glu]SGILAAESIF